The following is an entry in ClinVar:

NM_002234.4(KCNA5):c.1138C>G (p.Gln380Glu)

Gene: KCNA5 (potassium voltage-gated channel subfamily A member 5; plus strand). Cytogenetic location: 12p13.32.
Variant type: single nucleotide variant.
Coding change: c.1138C>G on transcript NM_002234.4 (MANE Select); coding-DNA position 1138, C replaced by G.
Protein change: p.Gln380Glu; replaces glutamine 380 with glutamic acid.
Molecular consequence: missense variant.
Genome position (GRCh38, 1-based): chr12:5,045,285, C>G. VCF-style: chr12-5045285-C-G. GRCh37 (hg19) VCF-style: chr12-5154451-C-G.
Other names: c.1138C>G (NM_002234.2); short protein forms Q380E.
Identifiers: ClinVar variation 1042253 (VCV001042253.10), dbSNP rs1448543777, ClinGen allele CA383465857.
Genomic context (GRCh38, chr12:5,045,285, plus strand): 5'-ATCGATGTGGTGGCCATCTTCCCCTACTTCATCACCCTGGGCACCGAACTGGCAGAGCAG[C>G]AGCCAGGGGGTGGAGGAGGCGGCCAGAATGGGCAGCAGGCCATGTCCCTGGCCATCCTCC-3'
Protein context (NP_002225.2, residues 370-390): ITLGTELAEQ[Gln380Glu]PGGGGGGQNG

ClinVar aggregate classification (germline): Uncertain significance. Review status: criteria provided, multiple submitters, no conflicts (2 of 4 stars). 3 submissions from 3 submitters: Uncertain significance (3). Last evaluated 2024-10-18.

Conditions:
Inborn genetic diseases. Identifiers: MedGen C0950123, MeSH D030342.
Atrial fibrillation, familial, 7 (ATFB7). Identifiers: MedGen C2677106, MONDO:0012828, OMIM 612240.

Allele frequency attached by ClinVar (database versions not stated): gnomAD exomes 0.00001.
gnomAD v4.1: 4 of 1,614,212 alleles (0.00025%); highest among the groups gnomAD compares: Middle Eastern, 0.016%; no homozygotes.

Submissions (3):

Labcorp Genetics (formerly Invitae), Labcorp
Classification: Uncertain significance for Atrial fibrillation, familial, 7. Last evaluated: 2024-10-18. Review status: criteria provided, single submitter. Criteria: Invitae Variant Classification Sherloc (09022015). Collection method: clinical testing. Allele origin: germline.
Comment: This sequence change replaces glutamine, which is neutral and polar, with glutamic acid, which is acidic and polar, at codon 380 of the KCNA5 protein (p.Gln380Glu). This variant is present in population databases (no rsID available, gnomAD 0.01%). This variant has not been reported in the literature in individuals affected with KCNA5-related conditions. ClinVar contains an entry for this variant (Variation ID: 1042253). An algorithm developed to predict the effect of missense changes on protein structure and function outputs the following: PolyPhen-2: "Benign". The glutamic acid amino acid residue is found in multiple mammalian species, which suggests that this missense change does not adversely affect protein function. In summary, the available evidence is currently insufficient to determine the role of this variant in disease. Therefore, it has been classified as a Variant of Uncertain Significance.

Ambry Genetics
Classification: Uncertain significance for Inborn genetic diseases. Last evaluated: 2023-10-25. Review status: criteria provided, single submitter. Criteria: Ambry Variant Classification Scheme 2023. Collection method: clinical testing. Allele origin: germline.

Fulgent Genetics
Classification: Uncertain significance for Atrial fibrillation, familial, 7. Last evaluated: 2021-10-19. Review status: criteria provided, single submitter. Criteria: ACMG Guidelines, 2015. Collection method: clinical testing. Allele origin: unknown.